The following is an entry in ClinVar:

NM_003978.5(PSTPIP1):c.445C>T (p.Arg149Trp)

Gene: PSTPIP1 (proline-serine-threonine phosphatase interacting protein 1; plus strand). Cytogenetic location: 15q24.3.
Variant type: single nucleotide variant.
Coding change: c.445C>T on transcript NM_003978.5 (MANE Select); coding-DNA position 445, C replaced by T.
Protein change: p.Arg149Trp; replaces arginine 149 with tryptophan.
Molecular consequence: missense variant. On other transcripts: non-coding transcript variant (1).
Genome position (GRCh38, 1-based): chr15:77,028,581, C>T. VCF-style: chr15-77028581-C-T. GRCh37 (hg19) VCF-style: chr15-77320922-C-T.
Other names: c.445C>T, p.Arg149Trp (NM_001321135.2, NM_001411086.1); c.418C>T, p.Arg140Trp (NM_001321136.2); c.640C>T, p.Arg214Trp (NM_001321137.1); short protein forms R140W, R149W, R214W.
Identifiers: ClinVar variation 3623665 (VCV003623665.2).

ClinVar aggregate classification (germline): Uncertain significance (1 of 4 stars; one submission).

Conditions:
Pyogenic arthritis-pyoderma gangrenosum-acne syndrome (PAPA). Also called: PAPA SYNDROME; FAMILIAL RECURRENT ARTHRITIS. Identifiers: Orphanet 69126, MedGen C1858361, MONDO:0011462, OMIM 604416.

gnomAD v4.1: 8 of 1,603,146 alleles (0.0005%); highest among the groups gnomAD compares: Non-Finnish European, 0.00068%; no homozygotes.

Submission:

Labcorp Genetics (formerly Invitae), Labcorp
Classification: Uncertain significance for Pyogenic arthritis-pyoderma gangrenosum-acne syndrome. Last evaluated: 2025-12-22. Review status: criteria provided, single submitter. Criteria: Invitae Variant Classification Sherloc (09022015). Collection method: clinical testing. Allele origin: germline.
Comment: This sequence change replaces arginine, which is basic and polar, with tryptophan, which is neutral and slightly polar, at codon 149 of the PSTPIP1 protein (p.Arg149Trp). The frequency data for this variant in the population databases is considered unreliable, as metrics indicate poor data quality at this position in the gnomAD database. This variant has not been reported in the literature in individuals affected with PSTPIP1-related conditions. ClinVar contains an entry for this variant (Variation ID: 3623665). Invitae Evidence Modeling of protein sequence and biophysical properties (such as structural, functional, and spatial information, amino acid conservation, physicochemical variation, residue mobility, and thermodynamic stability) indicates that this missense variant is expected to disrupt PSTPIP1 protein function with a positive predictive value of 80%. In summary, the available evidence is currently insufficient to determine the role of this variant in disease. Therefore, it has been classified as a Variant of Uncertain Significance.